The following is an entry in ClinVar:

NM_001164508.2(NEB):c.3307C>T (p.Gln1103Ter)

Gene: NEB (nebulin; minus strand). Cytogenetic location: 2q23.3.
Variant type: single nucleotide variant.
Coding change: c.3307C>T on transcript NM_001164508.2 (MANE Select); coding-DNA position 3307, C replaced by T.
Protein change: p.Gln1103Ter; replaces glutamine 1103 with a stop codon.
Molecular consequence: nonsense.
Genome position (GRCh38, 1-based): chr2:151,678,136, G>A on the plus strand (C>T on the coding strand, the complement: NEB is on the minus strand). VCF-style: chr2-151678136-G-A. GRCh37 (hg19) VCF-style: chr2-152534650-G-A.
Other names: c.3307C>T, p.Gln1103Ter (NM_004543.5, NM_001164507.2, NM_001271208.2); short protein forms Q1103*.
Identifiers: ClinVar variation 5011470 (VCV005011470.1).

ClinVar aggregate classification (germline): Pathogenic (1 of 4 stars; one submission).

Conditions:
Nemaline myopathy 2 (NEM2). Also called: Nemaline myopathy 2, autosomal recessive. Identifiers: MedGen C1850569, MONDO:0009725, OMIM 256030.

gnomAD v4.1: 1 of 1,613,168 alleles (0.000062%); highest among the groups gnomAD compares: East Asian, 0.0022%; no homozygotes.

Submission:

Myriad Genetics, Inc.
Classification: Pathogenic for Nemaline myopathy 2. Last evaluated: 2023-08-24. Review status: criteria provided, single submitter. Criteria: Myriad Autosomal Dominant, Autosomal Recessive and X-Linked Classification Criteria (2023). Collection method: clinical testing. Allele origin: unknown.
Comment: NM_001271208.1(NEB):c.3307C>T(Q1103*) is expected to be pathogenic in the context of NEB-related nemaline myopathy. This variant is predicted to lead to an abnormal or absent protein product due to the creation of a premature termination codon in NEB, a gene where loss-of-function variants are known to be pathogenic. Please note: this variant was assessed in the context of healthy population screening.